The following is an entry in ClinVar:

NM_021072.4(HCN1):c.290A>G (p.Gln97Arg)

Gene: HCN1 (hyperpolarization activated cyclic nucleotide gated potassium channel 1; minus strand). Cytogenetic location: 5p12.
Variant type: single nucleotide variant.
Coding change: c.290A>G on transcript NM_021072.4 (MANE Select); coding-DNA position 290, A replaced by G.
Protein change: p.Gln97Arg; replaces glutamine 97 with arginine.
Molecular consequence: missense variant.
Genome position (GRCh38, 1-based): chr5:45,695,804, T>C on the plus strand (A>G on the coding strand, the complement: HCN1 is on the minus strand). VCF-style: chr5-45695804-T-C. GRCh37 (hg19) VCF-style: chr5-45695906-T-C.
Other names: short protein forms Q97R.
Identifiers: ClinVar variation 809756 (VCV000809756.46), dbSNP rs1580055035, ClinGen allele CA359706348.

ClinVar aggregate classification (germline): Uncertain significance. Review status: criteria provided, multiple submitters, no conflicts (2 of 4 stars). 2 submissions from 2 submitters: Uncertain significance (2). Last evaluated 2024-07-06.

Conditions:
Early-infantile DEE. Also called: Ohtahara syndrome; Early infantile epileptic encephalopathy with suppression bursts; Early infantile epileptic encephalopathy. Identifiers: Orphanet 1934, MedGen C0393706, MONDO:0800491.

Allele frequency attached by ClinVar (database versions not stated): gnomAD exomes below 0.00001.
gnomAD v4.1: 6 of 1,610,308 alleles (0.00037%); highest among the groups gnomAD compares: Non-Finnish European, 0.00042%; no homozygotes.

Submissions (2):

Labcorp Genetics (formerly Invitae), Labcorp
Classification: Uncertain significance for Early-infantile DEE. Last evaluated: 2024-07-06. Review status: criteria provided, single submitter. Criteria: Invitae Variant Classification Sherloc (09022015). Collection method: clinical testing. Allele origin: germline.
Comment: This sequence change replaces glutamine, which is neutral and polar, with arginine, which is basic and polar, at codon 97 of the HCN1 protein (p.Gln97Arg). This variant is not present in population databases (gnomAD no frequency). This variant has not been reported in the literature in individuals affected with HCN1-related conditions. ClinVar contains an entry for this variant (Variation ID: 809756). Advanced modeling of protein sequence and biophysical properties (such as structural, functional, and spatial information, amino acid conservation, physicochemical variation, residue mobility, and thermodynamic stability) has been performed at Invitae for this missense variant, however the output from this modeling did not meet the statistical confidence thresholds required to predict the impact of this variant on HCN1 protein function. In summary, the available evidence is currently insufficient to determine the role of this variant in disease. Therefore, it has been classified as a Variant of Uncertain Significance.

CeGaT Center for Human Genetics Tuebingen
Classification: Uncertain significance. Last evaluated: 2017-01-01. Review status: criteria provided, single submitter. Criteria: CeGaT Center For Human Genetics Tuebingen Variant Classification Criteria Version 2. Collection method: clinical testing. Allele origin: germline. Affected: yes. Observed: 1 variant allele.